The following is an entry in ClinVar:

ClinVar aggregate classification (germline): Uncertain significance (1 of 4 stars; one submission).

gnomAD v4.1: 13 of 1,609,920 alleles (0.00081%); highest among the groups gnomAD compares: Admixed American, 0.0067%; no homozygotes.

Submission:

GeneDx
Classification: Uncertain significance. Last evaluated: 2024-07-17. Review status: criteria provided, single submitter. Criteria: GeneDx Variant Classification Process June 2021. Collection method: clinical testing. Allele origin: germline. Affected: yes.
Comment: In silico analysis indicates that this missense variant does not alter protein structure/function; Has not been previously published as pathogenic or benign to our knowledge

NM_001110219.3(GJB6):c.250G>A (p.Val84Ile)

Gene: GJB6 (gap junction protein beta 6; minus strand). Cytogenetic location: 13q12.11.
Variant type: single nucleotide variant.
Coding change: c.250G>A on transcript NM_001110219.3 (MANE Select); coding-DNA position 250, G replaced by A.
Protein change: p.Val84Ile; replaces valine 84 with isoleucine.
Molecular consequence: missense variant.
Genome position (GRCh38, 1-based): chr13:20,223,231, C>T on the plus strand (G>A on the coding strand, the complement: GJB6 is on the minus strand). VCF-style: chr13-20223231-C-T. GRCh37 (hg19) VCF-style: chr13-20797370-C-T.
Other names: c.250G>A, p.Val84Ile (NM_001110220.3, NM_001110221.3, NM_001370090.1 and 3 more transcripts); short protein forms V84I.
Identifiers: ClinVar variation 3573748 (VCV003573748.1).